The following is an entry in ClinVar:

NM_001142459.2(ASB10):c.1300C>T (p.Arg434Cys)

Gene: ASB10 (ankyrin repeat and SOCS box containing 10; minus strand). Cytogenetic location: 7q36.1.
Variant type: single nucleotide variant.
Coding change: c.1300C>T on transcript NM_001142459.2 (MANE Select); coding-DNA position 1300, C replaced by T.
Protein change: p.Arg434Cys; replaces arginine 434 with cysteine.
Molecular consequence: missense variant.
Genome position (GRCh38, 1-based): chr7:151,176,216, G>A on the plus strand (C>T on the coding strand, the complement: ASB10 is on the minus strand). VCF-style: chr7-151176216-G-A. GRCh37 (hg19) VCF-style: chr7-150873303-G-A.
Other names: c.1300C>T (NM_001142459.1); c.1186C>T, p.Arg396Cys (NM_001142460.1); c.1255C>T, p.Arg419Cys (NM_080871.4); short protein forms R396C, R434C, R419C.
Identifiers: ClinVar variation 2193163 (VCV002193163.5), dbSNP rs143907990, ClinGen allele CA4573626.

ClinVar aggregate classification (germline): Uncertain significance. Review status: criteria provided, multiple submitters, no conflicts (2 of 4 stars). 2 submissions from 2 submitters: Uncertain significance (2). Last evaluated 2026-01-12.

Allele frequency attached by ClinVar (database versions not stated): ExAC 0.00007; ESP Exome Variant Server 0.00008; gnomAD 0.00021; TOPMed 0.00023.

Submissions (2):

Labcorp Genetics (formerly Invitae), Labcorp
Classification: Uncertain significance. Last evaluated: 2026-01-12. Review status: criteria provided, single submitter. Criteria: Invitae Variant Classification Sherloc (09022015). Collection method: clinical testing. Allele origin: germline.
Comment: This sequence change replaces arginine, which is basic and polar, with cysteine, which is neutral and slightly polar, at codon 434 of the ASB10 protein (p.Arg434Cys). This variant is present in population databases (rs143907990, gnomAD 0.06%), and has an allele count higher than expected for a pathogenic variant. This variant has not been reported in the literature in individuals affected with ASB10-related conditions. ClinVar contains an entry for this variant (Variation ID: 2193163). An algorithm developed to predict the effect of missense changes on protein structure and function (PolyPhen-2) suggests that this variant is likely to be disruptive. In summary, the available evidence is currently insufficient to determine the role of this variant in disease. Therefore, it has been classified as a Variant of Uncertain Significance.

Ambry Genetics
Classification: Uncertain significance. Last evaluated: 2021-08-09. Review status: criteria provided, single submitter. Criteria: Ambry Variant Classification Scheme 2023. Collection method: clinical testing. Allele origin: germline.